The following is an entry in ClinVar:

ClinVar aggregate classification (germline): Uncertain significance (1 of 4 stars; one submission).

Submission:

Labcorp Genetics (formerly Invitae), Labcorp
Classification: Uncertain significance. Last evaluated: 2025-11-13. Review status: criteria provided, single submitter. Criteria: Invitae Variant Classification Sherloc (09022015). Collection method: clinical testing. Allele origin: germline.
Comment: This sequence change replaces alanine, which is neutral and non-polar, with threonine, which is neutral and polar, at codon 6 of the POLR3F protein (p.Ala6Thr). This variant is not present in population databases (gnomAD no frequency). This variant has not been reported in the literature in individuals affected with POLR3F-related conditions. Experimental studies and prediction algorithms are not available or were not evaluated, and the functional significance of this variant is currently unknown. In summary, the available evidence is currently insufficient to determine the role of this variant in disease. Therefore, it has been classified as a Variant of Uncertain Significance.

NM_006466.4(POLR3F):c.139G>A (p.Ala47Thr)

Gene: POLR3F (RNA polymerase III subunit F; plus strand). Cytogenetic location: 20p11.23.
Variant type: single nucleotide variant.
Coding change: c.139G>A on transcript NM_006466.4 (MANE Select); coding-DNA position 139, G replaced by A.
Protein change: p.Ala47Thr; replaces alanine 47 with threonine.
Molecular consequence: missense variant. On other transcripts: non-coding transcript variant (1).
Genome position (GRCh38, 1-based): chr20:18,469,020, G>A. VCF-style: chr20-18469020-G-A. GRCh37 (hg19) VCF-style: chr20-18449664-G-A.
Other names: c.16G>A, p.Ala6Thr (NM_001282526.2); c.139G>A, p.Ala47Thr (NM_001410821.1); short protein forms A47T, A6T.
Identifiers: ClinVar variation 4809290 (VCV004809290.1).
Genomic context (GRCh38, chr20:18,469,020, plus strand): 5'-CACCAGTTCCCTCATGGAATCACAGACCAAGTAATTCAGAATGAAATGCCTCATATAGAA[G>A]CCCAGCAGCGGGCAGTAGCCATCAATAGGTTGTTGTCTATGGTAAGGTGAATCTAACTAT-3'
Protein context (NP_006457.2, residues 37-57): VIQNEMPHIE[Ala47Thr]QQRAVAINRL